The following is an entry in ClinVar:

ClinVar aggregate classification (germline): Conflicting classifications of pathogenicity. Review status: criteria provided, conflicting classifications (1 of 4 stars). 4 submissions from 4 submitters: Uncertain significance (1); Likely benign (3). Last evaluated 2024-08-29.

Allele frequency attached by ClinVar (database versions not stated): gnomAD 0.00004 and 0.00001; ExAC 0.00022; gnomAD exomes 0.00018 and 0.00009; TOPMed 0.00001.
gnomAD v4.1: 138 of 1,614,088 alleles (0.0085%); highest among the groups gnomAD compares: South Asian, 0.14%; 5 homozygotes.

Submissions (4):

Blueprint Genetics
Classification: Likely benign. Last evaluated: 2024-08-29. Review status: criteria provided, single submitter. Criteria: ACMG Guidelines, 2015. Collection method: clinical testing. Allele origin: germline.

CeGaT Center for Human Genetics Tuebingen
Classification: Likely benign. Last evaluated: 2022-12-01. Review status: criteria provided, single submitter. Criteria: CeGaT Center For Human Genetics Tuebingen Variant Classification Criteria Version 2. Collection method: clinical testing. Allele origin: germline. Affected: yes. Observed: 1 variant allele.
Comment: SYNE1: BP4, BP7, BS2

Labcorp Genetics (formerly Invitae), Labcorp
Classification: Likely benign. Last evaluated: 2018-06-21. Review status: criteria provided, single submitter. Criteria: Invitae Variant Classification Sherloc (09022015). Collection method: clinical testing. Allele origin: germline.

Eurofins Ntd Llc (ga)
Classification: Uncertain significance. Last evaluated: 2015-09-28. Review status: criteria provided, single submitter. Criteria: EGL Classification Definitions 2015. Collection method: clinical testing. Allele origin: germline. Observed: 1 variant allele, 1 heterozygote.

NM_182961.4(SYNE1):c.26355C>T (p.His8785=)

Genes: ESR1 (estrogen receptor 1; plus strand), SYNE1 (spectrin repeat containing nuclear envelope protein 1; minus strand). Cytogenetic location: 6q25.2.
Variant type: single nucleotide variant.
Coding change: c.26355C>T on transcript NM_182961.4 (MANE Select); coding-DNA position 26355, C replaced by T.
Protein change: p.His8785=; no amino-acid change (histidine 8785 retained).
Molecular consequence: synonymous variant. On other transcripts: 3 prime UTR variant (1), intron variant (1).
Genome position (GRCh38, 1-based): chr6:152,122,475, G>A on the plus strand (C>T on the coding strand, the complement: SYNE1 is on the minus strand). VCF-style: chr6-152122475-G-A. GRCh37 (hg19) VCF-style: chr6-152443610-G-A.
Other names: c.*166C>T (NM_001347701.2); c.2889C>T, p.His963= (NM_001347702.2); c.26211C>T, p.His8737= (NM_033071.5); c.851-2791G>A (NM_001328100.2).
Identifiers: ClinVar variation 283646 (VCV000283646.34), dbSNP rs771334693, ClinGen allele CA4052581.